The following is an entry in ClinVar:

NC_012920.1(MT-TK):m.8349C>T

Gene: MT-TK (mitochondrially encoded tRNA lysine; plus strand).
Variant type: single nucleotide variant.
Genome position: chrM-8349-C-T.
Identifiers: ClinVar variation 690080 (VCV000690080.1), dbSNP rs1603221418, ClinGen allele CA913179055.

ClinVar aggregate classification (germline): Benign (1 of 4 stars; one submission).

Conditions:
MELAS syndrome (MELAS). Also called: Juvenile myopathy, encephalopathy, lactic acidosis, stroke. Identifiers: Orphanet 550, MedGen C0162671, MONDO:0010789, OMIM 540000.

Submission:

Wong Mito Lab, Molecular and Human Genetics, Baylor College of Medicine
Classification: Benign for MELAS syndrome. Last evaluated: 2019-07-12. Review status: criteria provided, single submitter. Criteria: Modified ACMG Guidelines (Unpublished). Collection method: clinical testing. Allele origin: germline.
Comment: The NC_012920.1:m.8349C>T variant in MT-TK gene is interpreted to be a Benign variant based on the modified ACMG guidelines (unpublished). This variant meets the following evidence codes reported in the guidelines: BS1, BS4, BP4

Literature cited by the submitters: PubMed 31965079.